The following is an entry in ClinVar:

NM_000218.3(KCNQ1):c.1394-3571A>G

Genes: KCNQ1 (potassium voltage-gated channel subfamily Q member 1; plus strand), KCNQ1OT1 (KCNQ1 opposite strand/antisense transcript 1; minus strand). Cytogenetic location: 11p15.5.
Variant type: single nucleotide variant.
Coding change: c.1394-3571A>G on transcript NM_000218.3 (MANE Select); 3571 bases into the intron before coding-DNA position 1394, A replaced by G.
Molecular consequence: intron variant. On other transcripts: non-coding transcript variant (1).
Genome position (GRCh38, 1-based): chr11:2,658,390, A>G. VCF-style: chr11-2658390-A-G. GRCh37 (hg19) VCF-style: chr11-2679620-A-G.
Other names: c.1394-3571A>G (NM_000218.2); c.1124-3571A>G (NM_001406837.1); c.1298-3571A>G (NM_001406836.1); c.854-3571A>G (NM_001406838.1); c.1013-3571A>G (NM_181798.2).
Identifiers: ClinVar variation 2641444 (VCV002641444.25), dbSNP rs563376632, ClinGen allele CA216168057.

ClinVar aggregate classification (germline): Benign. Review status: criteria provided, single submitter (1 of 4 stars). 2 submissions from 2 submitters: Benign (1). 1 of the submissions does not count toward it. Last evaluated 2022-05-01.

Conditions:
KCNQ1-related disorder. Also called: KCNQ1-related condition; KCNQ1-related disorders. Identifiers: MedGen CN239322.

Allele frequency attached by ClinVar (database versions not stated): 1000 Genomes Project 30x 0.00016; 1000 Genomes Project 0.00020.
gnomAD v4.1: 104 of 398,478 alleles (0.026%); highest among the groups gnomAD compares: African/African-American, 0.2%; no homozygotes.

Submissions (2):

CeGaT Center for Human Genetics Tuebingen
Classification: Benign. Last evaluated: 2022-05-01. Review status: criteria provided, single submitter. Criteria: CeGaT Center For Human Genetics Tuebingen Variant Classification Criteria Version 2. Collection method: clinical testing. Allele origin: germline. Affected: yes. Observed: 1 variant allele.
Comment: KCNQ1OT1: BS1, BS2

PreventionGenetics, part of Exact Sciences
Classification: Likely benign for KCNQ1-related condition. Last evaluated: 2023-01-03. Review status: no assertion criteria provided. Collection method: clinical testing. Allele origin: germline. Not counted in ClinVar's aggregate classification.
Comment: This variant is classified as likely benign based on ACMG/AMP sequence variant interpretation guidelines (Richards et al. 2015 PMID: 25741868, with internal and published modifications).